The following is an entry in ClinVar:

NM_015341.5(NCAPH):c.1134A>G (p.Glu378=)

Gene: NCAPH (non-SMC condensin I complex subunit H; plus strand). Cytogenetic location: 2q11.2.
Variant type: single nucleotide variant.
Coding change: c.1134A>G on transcript NM_015341.5 (MANE Select); coding-DNA position 1134, A replaced by G.
Protein change: p.Glu378=; no amino-acid change (glutamic acid 378 retained).
Molecular consequence: synonymous variant.
Genome position (GRCh38, 1-based): chr2:96,354,314, A>G. VCF-style: chr2-96354314-A-G. GRCh37 (hg19) VCF-style: chr2-97020052-A-G.
Other names: c.1101A>G, p.Glu367= (NM_001281710.2); c.1062A>G, p.Glu354= (NM_001281711.2); c.726A>G, p.Glu242= (NM_001281712.2).
Identifiers: ClinVar variation 3257606 (VCV003257606.17).

ClinVar aggregate classification (germline): Likely benign (1 of 4 stars; one submission).

gnomAD v4.1: 4 of 1,613,750 alleles (0.00025%); highest among the groups gnomAD compares: Admixed American, 0.0017%; no homozygotes.

Submission:

CeGaT Center for Human Genetics Tuebingen
Classification: Likely benign. Last evaluated: 2024-07-01. Review status: criteria provided, single submitter. Criteria: CeGaT Center For Human Genetics Tuebingen Variant Classification Criteria Version 2. Collection method: clinical testing. Allele origin: germline. Affected: yes. Observed: 1 variant allele.
Comment: NCAPH: BP4, BP7